The following is an entry in ClinVar:

NM_152424.4(AMER1):c.3272G>A (p.Arg1091Gln)

Gene: AMER1 (APC membrane recruitment protein 1; minus strand). Cytogenetic location: Xq11.2.
Variant type: single nucleotide variant.
Coding change: c.3272G>A on transcript NM_152424.4 (MANE Select); coding-DNA position 3272, G replaced by A.
Protein change: p.Arg1091Gln; replaces arginine 1091 with glutamine.
Molecular consequence: missense variant.
Genome position (GRCh38, 1-based): chrX:64,190,015, C>T on the plus strand (G>A on the coding strand, the complement: AMER1 is on the minus strand). VCF-style: chrX-64190015-C-T. GRCh37 (hg19) VCF-style: chrX-63409895-C-T.
Other names: short protein forms R1091Q.
Identifiers: ClinVar variation 3377588 (VCV003377588.1).

ClinVar aggregate classification (germline): Uncertain significance (1 of 4 stars; one submission).

Conditions:
Osteopathia striata with cranial sclerosis (OSCS). Also called: HYPEROSTOSIS GENERALISATA WITH STRIATIONS. Identifiers: Orphanet 2780, MedGen C0432268, MONDO:0010310, OMIM 300373.

gnomAD v4.1: 17 of 1,206,742 alleles (0.0014%); highest among the groups gnomAD compares: South Asian, 0.0071%; no homozygotes.

Submission:

Neuberg Centre For Genomic Medicine, NCGM
Classification: Uncertain significance for Osteopathia striata with cranial sclerosis. Review status: criteria provided, single submitter. Criteria: ACMG Guidelines, 2015. Collection method: clinical testing. Allele origin: germline. Inheritance: X-linked dominant inheritance. Affected: yes.
Comment: The observed missense variant c.3272G>A(p.Arg1091Gln) in the AMER1 gene has not been reported previously as a pathogenic variant nor as a benign variant, to our knowledge. This variant is reported with the allele frequency 0.001% in the gnomAD Exomes. The amino acid Arg at position 1091 is changed to a Gln changing protein sequence and it might alter its composition and physico-chemical properties. Multiple lines of computational evidence (Polyphen - Benign, SIFT - Tolerated and MutationTaster - Polymorphism) predict no damaging effect on protein structure and function for this variant. The residue is conserved by GERP++ and PhyloP across 100 vertebrates. For these reasons, this variant has been classified as Uncertain Significance.